The following is an entry in ClinVar:

NM_001035.3(RYR2):c.11310C>A (p.Asn3770Lys)

Gene: RYR2 (ryanodine receptor 2; plus strand). Cytogenetic location: 1q43.
Variant type: single nucleotide variant.
Coding change: c.11310C>A on transcript NM_001035.3 (MANE Select); coding-DNA position 11310, C replaced by A.
Protein change: p.Asn3770Lys; replaces asparagine 3770 with lysine.
Molecular consequence: missense variant.
Genome position (GRCh38, 1-based): chr1:237,757,761, C>A. VCF-style: chr1-237757761-C-A. GRCh37 (hg19) VCF-style: chr1-237921061-C-A.
Other names: short protein forms N3770K.
Identifiers: ClinVar variation 4800111 (VCV004800111.1).

ClinVar aggregate classification (germline): Uncertain significance (1 of 4 stars; one submission).

Conditions:
Catecholaminergic polymorphic ventricular tachycardia 1. Also called: VENTRICULAR TACHYCARDIA, STRESS-INDUCED POLYMORPHIC 1; RYR2-Related Catecholaminergic Polymorphic Ventricular Tachycardia; VENTRICULAR TACHYCARDIA, CATECHOLAMINERGIC POLYMORPHIC, 1, WITH OR WITHOUT ATRIAL DYSFUNCTION AND/OR DILATED CARDIOMYOPATHY. Identifiers: Orphanet 3286, MedGen C1631597, MONDO:0011484, OMIM 604772.

Submission:

Labcorp Genetics (formerly Invitae), Labcorp
Classification: Uncertain significance for Catecholaminergic polymorphic ventricular tachycardia 1. Last evaluated: 2025-06-24. Review status: criteria provided, single submitter. Criteria: Invitae Variant Classification Sherloc (09022015). Collection method: clinical testing. Allele origin: germline.
Comment: This sequence change replaces asparagine, which is neutral and polar, with lysine, which is basic and polar, at codon 3770 of the RYR2 protein (p.Asn3770Lys). This variant is not present in population databases (gnomAD no frequency). This variant has not been reported in the literature in individuals affected with RYR2-related conditions. Invitae Evidence Modeling of protein sequence and biophysical properties (such as structural, functional, and spatial information, amino acid conservation, physicochemical variation, residue mobility, and thermodynamic stability) indicates that this missense variant is expected to disrupt RYR2 protein function with a positive predictive value of 95%. In summary, the available evidence is currently insufficient to determine the role of this variant in disease. Therefore, it has been classified as a Variant of Uncertain Significance.